The following is an entry in ClinVar:

ClinVar aggregate classification (germline): Uncertain significance. Review status: criteria provided, multiple submitters, no conflicts (2 of 4 stars). 2 submissions from 2 submitters: Uncertain significance (2). Last evaluated 2024-09-26.

Conditions:
Ehlers-Danlos syndrome, kyphoscoliotic type 1 (EDSKSCL1). Also called: EHLERS-DANLOS SYNDROME, TYPE VIA; Ehlers-Danlos syndrome, hydroxylysine-deficient; EHLERS-DANLOS SYNDROME, OCULAR-SCOLIOTIC TYPE; PLOD1-Related Kyphoscoliotic Ehlers-Danlos Syndrome. Identifiers: Orphanet 1900, MedGen C0268342, MONDO:0016002, OMIM 225400. Disease mechanism: loss of function.
Familial thoracic aortic aneurysm and aortic dissection (TAAD). Also called: Thoracic aortic aneurysms and dissections. Identifiers: Orphanet 91387, MedGen C4707243, MONDO:0019625.

Allele frequency attached by ClinVar (database versions not stated): TOPMed below 0.00001; gnomAD 0.00001.
gnomAD v4.1: 1 of 1,613,972 alleles (0.000062%); highest among the groups gnomAD compares: Non-Finnish European, 0.000085%; no homozygotes.

Submissions (2):

Labcorp Genetics (formerly Invitae), Labcorp
Classification: Uncertain significance for Ehlers-Danlos syndrome, kyphoscoliotic type 1. Last evaluated: 2024-09-26. Review status: criteria provided, single submitter. Criteria: Invitae Variant Classification Sherloc (09022015). Collection method: clinical testing. Allele origin: germline.
Comment: This sequence change replaces serine, which is neutral and polar, with cysteine, which is neutral and slightly polar, at codon 122 of the PLOD1 protein (p.Ser122Cys). This variant is not present in population databases (gnomAD no frequency). This variant has not been reported in the literature in individuals affected with PLOD1-related conditions. ClinVar contains an entry for this variant (Variation ID: 1733581). Invitae Evidence Modeling of protein sequence and biophysical properties (such as structural, functional, and spatial information, amino acid conservation, physicochemical variation, residue mobility, and thermodynamic stability) indicates that this missense variant is not expected to disrupt PLOD1 protein function with a negative predictive value of 80%. In summary, the available evidence is currently insufficient to determine the role of this variant in disease. Therefore, it has been classified as a Variant of Uncertain Significance.

Ambry Genetics
Classification: Uncertain significance for Familial thoracic aortic aneurysm and aortic dissection. Last evaluated: 2019-05-24. Review status: criteria provided, single submitter. Criteria: Ambry Variant Classification Scheme 2023. Collection method: clinical testing. Allele origin: germline.
Comment: The p.S122C variant (also known as c.364A>T), located in coding exon 4 of the PLOD1 gene, results from an A to T substitution at nucleotide position 364. The serine at codon 122 is replaced by cysteine, an amino acid with dissimilar properties. This amino acid position is not well conserved in available vertebrate species. In addition, this alteration is predicted to be tolerated by in silico analysis. Since supporting evidence is limited at this time, the clinical significance of this alteration remains unclear.

NM_000302.4(PLOD1):c.364A>T (p.Ser122Cys)

Gene: PLOD1 (procollagen-lysine,2-oxoglutarate 5-dioxygenase 1; plus strand). Cytogenetic location: 1p36.22.
Variant type: single nucleotide variant.
Coding change: c.364A>T on transcript NM_000302.4 (MANE Select); coding-DNA position 364, A replaced by T.
Protein change: p.Ser122Cys; replaces serine 122 with cysteine.
Molecular consequence: missense variant.
Genome position (GRCh38, 1-based): chr1:11,950,418, A>T. VCF-style: chr1-11950418-A-T. GRCh37 (hg19) VCF-style: chr1-12010475-A-T.
Other names: c.505A>T, p.Ser169Cys (NM_001316320.2); short protein forms S122C, S169C.
Identifiers: ClinVar variation 1733581 (VCV001733581.6), dbSNP rs1046206896, ClinGen allele CA338427046.